The following is an entry in ClinVar:

NM_001614.5(ACTG1):c.363G>A (p.Gln121=)

Gene: ACTG1 (actin gamma 1; minus strand). Cytogenetic location: 17q25.3.
Variant type: single nucleotide variant.
Coding change: c.363G>A on transcript NM_001614.5 (MANE Select); coding-DNA position 363, G replaced by A.
Protein change: p.Gln121=; no amino-acid change (glutamine 121 retained).
Molecular consequence: synonymous variant. On other transcripts: non-coding transcript variant (1).
Genome position (GRCh38, 1-based): chr17:81,511,903, C>T on the plus strand (G>A on the coding strand, the complement: ACTG1 is on the minus strand). VCF-style: chr17-81511903-C-T. GRCh37 (hg19) VCF-style: chr17-79478929-C-T.
Other names: c.363G>A, p.Gln121= (NM_001199954.3).
Identifiers: ClinVar variation 4001663 (VCV004001663.1).
Genomic context (GRCh38, chr17:81,511,903, plus strand): 5'-GCCGGGCAGAAAATGACTGGGGAAAGGACGGGAGGAGCACGGGCGTCGGCCGAGCCTCAC[C>T]TGAGTCATCTTCTCTCTGTTGGCCTTGGGGTTCAGGGGGGCCTCGGTCAGCAGCACTGGG-3'
Protein context (NP_001605.1, residues 111-131): NPKANREKMT[Gln121=]IMFETFNTPA

ClinVar aggregate classification (germline): Uncertain significance (1 of 4 stars; one submission).

Conditions:
Inborn genetic diseases. Identifiers: MedGen C0950123, MeSH D030342.

gnomAD v4.1: 1 of 1,614,144 alleles (0.000062%); highest among the groups gnomAD compares: Non-Finnish European, 0.000085%; no homozygotes.

Submission:

Ambry Genetics
Classification: Uncertain significance for Inborn genetic diseases. Last evaluated: 2025-04-22. Review status: criteria provided, single submitter. Criteria: Ambry Variant Classification Scheme 2023. Collection method: clinical testing. Allele origin: germline.
Comment: Occurs in the last base pair of the exon Based on insufficient or conflicting evidence, the clinical significance of this alteration remains unclear.